The following is an entry in ClinVar:

NM_000516.7(GNAS):c.460_461del (p.Trp154fs)

Gene: GNAS (GNAS complex locus; plus strand). Cytogenetic location: 20q13.32.
Variant type: Microsatellite.
Coding change: c.460_461del on transcript NM_000516.7 (MANE Select); coding-DNA positions 460 to 461, 2 bases deleted (TG; older notation c.460_461delTG).
Protein change: p.Trp154fs; shifts the reading frame from tryptophan 154.
Molecular consequence: frameshift variant. On other transcripts: 3 prime UTR variant (2).
Genome position (GRCh38, 1-based): chr20:58,905,410-58,905,411, TG deleted; deleting any 2 consecutive bases within chr20:58,905,408-58,905,411 gives the same sequence; the c. name uses the placement nearest the transcript's 3' end. VCF-style (leftmost placement, unchanged base first): chr20-58905407-CTG-C. GRCh37 (hg19) VCF-style: chr20-57480462-CTG-C.
Other names: c.460_461delTG (NM_000516.5); c.463_464del, p.Trp155fs (NM_001077488.5); c.415_416del, p.Trp139fs (NM_001077489.4); c.*319TG[1] (NM_001077490.3); c.283_284del, p.Trp95fs (NM_001309840.2, NM_001309861.2); c.362_363TG[1], p.Trp122Glyfs (NM_001410912.1); c.2342_2343TG[1], p.Trp782Glyfs (NM_001410913.1); c.*364TG[1] (NM_016592.5); and 2 more; short protein forms W139fs, W140fs, W154fs, W155fs, W797fs, W95fs.
Identifiers: ClinVar variation 1705690 (VCV001705690.2), dbSNP rs2517134050, ClinGen allele CA2580616350.
Genomic context (GRCh38, chr20:58,905,407, plus strand): 5'-TTGCCTTTCTCTAAACTTTCTTGTGTTCACTTTCAGGAATTCTATGAGCATGCCAAGGCT[CTG>C]TGGGAGGATGAAGGAGTGCGTGCCTGCTACGAACGCTCCAACGAGTACCAGCTGATTGAC-3'

ClinVar aggregate classification (germline): Pathogenic. Review status: criteria provided, multiple submitters, no conflicts (2 of 4 stars). 2 submissions from 2 submitters: Pathogenic (2). Last evaluated 2025-10-01.

Conditions:
Pseudohypoparathyroidism type 1C (PHP1C). Also called: PHP IC; PSEUDOHYPOPARATHYROIDISM, TYPE IC; Pseudohypoparathyroidism Ic (PHP-Ic). Identifiers: Orphanet 79444, MedGen C2932716, MONDO:0012911, OMIM 612462.
GNAS-related disorder. Identifiers: MedGen CN380105.

Submissions (2):

PreventionGenetics, part of Exact Sciences
Classification: Pathogenic for GNAS-related condition. Last evaluated: 2025-10-01. Review status: criteria provided, single submitter. Criteria: ACMG Guidelines, 2015. Collection method: clinical testing. Allele origin: germline.
Comment: The GNAS c.460_461delTG variant is predicted to result in a frameshift and premature protein termination (p.Trp154Glyfs*3). This variant was reported in an individual with pseudohypoparathyroidism 1a (Thiele et al. 2015. PubMed ID: 25802881). This variant has not been reported in a large population database (gnomAD), indicating this variant is rare, and is classified as pathogenic in ClinVar (Variation ID: 1705690). This variant is interpreted as pathogenic.

3billion
Classification: Pathogenic for Pseudohypoparathyroidism type 1C. Last evaluated: 2022-09-01. Review status: criteria provided, single submitter. Criteria: ACMG Guidelines, 2015. Collection method: clinical testing. Allele origin: germline. Affected: yes. Observed: 1 heterozygote.
Comment: The variant is not observed in the gnomAD v2.1.1 dataset. Frameshift variant is predicted to result in a loss or disruption of normal protein function through nonsense-mediated decay (NMD) or protein truncation. Multiple pathogenic variants are reported downstream of the variant. The variant has been reported to be associated with GNAS -related disorder (PMID: 25802881). Therefore, this variant is classified as Pathogenic according to the recommendation of ACMG/AMP guideline.

Literature cited by the submitters: PubMed 25802881 (cited by 3billion).